The following is an entry in ClinVar:

NM_001037.5(SCN1B):c.656A>G (p.Ter219Trp)

Gene: SCN1B (sodium voltage-gated channel beta subunit 1; plus strand). Cytogenetic location: 19q13.11.
Variant type: single nucleotide variant.
Coding change: c.656A>G on transcript NM_001037.5 (MANE Select); coding-DNA position 656, A replaced by G.
Protein change: p.Ter219Trp.
Molecular consequence: stop lost.
Genome position (GRCh38, 1-based): chr19:35,039,700, A>G. VCF-style: chr19-35039700-A-G. GRCh37 (hg19) VCF-style: chr19-35530604-A-G.
Other names: c.557A>G, p.Ter186Trp (NM_001321605.2).
Identifiers: ClinVar variation 4718814 (VCV004718814.1).

ClinVar aggregate classification (germline): Uncertain significance (1 of 4 stars; one submission).

Conditions:
Brugada syndrome 5 (BRGDA5). Identifiers: Orphanet 130, Orphanet 871, MedGen C2748541, MONDO:0013015, OMIM 612838.

Submission:

Labcorp Genetics (formerly Invitae), Labcorp
Classification: Uncertain significance for Brugada syndrome 5. Last evaluated: 2025-05-02. Review status: criteria provided, single submitter. Criteria: Invitae Variant Classification Sherloc (09022015). Collection method: clinical testing. Allele origin: germline.
Comment: The SCN1B gene has multiple clinically relevant transcripts. This variant occurs in alternate transcript NM_001037.5, and corresponds to NM_199037.3:c.*5602A>G in the primary transcript. This sequence change disrupts the translational stop signal of the SCN1B mRNA. It is expected to extend the length of the SCN1B protein by 214 additional amino acid residues. This variant is not present in population databases (gnomAD no frequency). This variant has not been reported in the literature in individuals affected with SCN1B-related conditions. Experimental studies and prediction algorithms are not available or were not evaluated, and the functional significance of this variant is currently unknown. In summary, the available evidence is currently insufficient to determine the role of this variant in disease. Therefore, it has been classified as a Variant of Uncertain Significance.